The following is an entry in ClinVar:

ClinVar aggregate classification (germline): Uncertain significance (1 of 4 stars; one submission).

Conditions:
Catecholaminergic polymorphic ventricular tachycardia 1. Also called: VENTRICULAR TACHYCARDIA, CATECHOLAMINERGIC POLYMORPHIC, 1, WITH OR WITHOUT ATRIAL DYSFUNCTION AND/OR DILATED CARDIOMYOPATHY; RYR2-Related Catecholaminergic Polymorphic Ventricular Tachycardia; VENTRICULAR TACHYCARDIA, STRESS-INDUCED POLYMORPHIC 1. Identifiers: Orphanet 3286, MedGen C1631597, MONDO:0011484, OMIM 604772.

gnomAD v4.1: 1 of 1,613,642 alleles (0.000062%); highest among the groups gnomAD compares: African/African-American, 0.0013%; no homozygotes.

Submission:

Labcorp Genetics (formerly Invitae), Labcorp
Classification: Uncertain significance for Catecholaminergic polymorphic ventricular tachycardia 1. Last evaluated: 2024-12-23. Review status: criteria provided, single submitter. Criteria: Invitae Variant Classification Sherloc (09022015). Collection method: clinical testing. Allele origin: germline.
Comment: This sequence change replaces isoleucine, which is neutral and non-polar, with asparagine, which is neutral and polar, at codon 898 of the RYR2 protein (p.Ile898Asn). This variant is not present in population databases (gnomAD no frequency). This variant has not been reported in the literature in individuals affected with RYR2-related conditions. Invitae Evidence Modeling of protein sequence and biophysical properties (such as structural, functional, and spatial information, amino acid conservation, physicochemical variation, residue mobility, and thermodynamic stability) indicates that this missense variant is expected to disrupt RYR2 protein function with a positive predictive value of 95%. In summary, the available evidence is currently insufficient to determine the role of this variant in disease. Therefore, it has been classified as a Variant of Uncertain Significance.

NM_001035.3(RYR2):c.2693T>A (p.Ile898Asn)

Gene: RYR2 (ryanodine receptor 2; plus strand). Cytogenetic location: 1q43.
Variant type: single nucleotide variant.
Coding change: c.2693T>A on transcript NM_001035.3 (MANE Select); coding-DNA position 2693, T replaced by A.
Protein change: p.Ile898Asn; replaces isoleucine 898 with asparagine.
Molecular consequence: missense variant.
Genome position (GRCh38, 1-based): chr1:237,506,789, T>A. VCF-style: chr1-237506789-T-A. GRCh37 (hg19) VCF-style: chr1-237670089-T-A.
Other names: short protein forms I898N.
Identifiers: ClinVar variation 3633785 (VCV003633785.2).